The following is an entry in ClinVar:

NM_000492.4(CFTR):c.3529A>G (p.Lys1177Glu)

Genes: CFTR (CF transmembrane conductance regulator; plus strand), CFTR-AS2 (CFTR antisense RNA 2; minus strand). Cytogenetic location: 7q31.2.
Variant type: single nucleotide variant.
Coding change: c.3529A>G on transcript NM_000492.4 (MANE Select); coding-DNA position 3529, A replaced by G.
Protein change: p.Lys1177Glu; replaces lysine 1177 with glutamic acid.
Molecular consequence: missense variant.
Genome position (GRCh38, 1-based): chr7:117,627,582, A>G. VCF-style: chr7-117627582-A-G. GRCh37 (hg19) VCF-style: chr7-117267636-A-G.
Other names: short protein forms K1177E.
Identifiers: ClinVar variation 1429368 (VCV001429368.6), dbSNP rs397508578, ClinGen allele CA368996261.

ClinVar aggregate classification (germline): Uncertain significance. Review status: criteria provided, multiple submitters, no conflicts (2 of 4 stars). 2 submissions from 2 submitters: Uncertain significance (2). Last evaluated 2024-04-01.

Conditions:
Cystic fibrosis (CF). Also called: MUCOVISCIDOSIS. Identifiers: Orphanet 586, MedGen C0010674, MONDO:0009061, OMIM 219700. Disease mechanism: loss of function.

Submissions (2):

Women's Health and Genetics/Laboratory Corporation of America, LabCorp
Classification: Uncertain significance. Last evaluated: 2024-04-01. Review status: criteria provided, single submitter. Criteria: LabCorp Variant Classification Summary - May 2015. Collection method: clinical testing. Allele origin: germline.
Comment: Variant summary: CFTR c.3529A>G (p.Lys1177Glu) results in a conservative amino acid change in the encoded protein sequence. Four of four in-silico tools predict a benign effect of the variant on protein function. The variant was absent in 250746 control chromosomes. The available data on variant occurrences in the general population are insufficient to allow any conclusion about variant significance. c.3529A>G has been reported in the literature in individuals affected with Cystic Fibrosis who carried DeltaF508 in cis (Correia_2008). This report does not provide unequivocal conclusions about association of the variant with Cystic Fibrosis. To our knowledge, no experimental evidence demonstrating an impact on protein function has been reported. ClinVar contains an entry for this variant (Variation ID: 1429368). Based on the evidence outlined above, the variant was classified as uncertain significance.

Labcorp Genetics (formerly Invitae), Labcorp
Classification: Uncertain significance for Cystic fibrosis. Last evaluated: 2021-08-31. Review status: criteria provided, single submitter. Criteria: Invitae Variant Classification Sherloc (09022015). Collection method: clinical testing. Allele origin: germline.
Comment: This sequence change replaces lysine with glutamic acid at codon 1177 of the CFTR protein (p.Lys1177Glu). The lysine residue is weakly conserved and there is a small physicochemical difference between lysine and glutamic acid. This variant is not present in population databases (ExAC no frequency). This variant has not been reported in the literature in individuals affected with CFTR-related conditions. Algorithms developed to predict the effect of missense changes on protein structure and function output the following: SIFT: "Tolerated"; PolyPhen-2: "Benign"; Align-GVGD: "Class C0". The glutamic acid amino acid residue is found in multiple mammalian species, which suggests that this missense change does not adversely affect protein function. In summary, the available evidence is currently insufficient to determine the role of this variant in disease. Therefore, it has been classified as a Variant of Uncertain Significance.

Literature cited by the submitters: PubMed 18265915 (cited by Women's Health and Genetics/Laboratory Corporation of America, LabCorp).